The following is an entry in ClinVar:

NM_000179.3(MSH6):c.1582G>T (p.Glu528Ter)

Gene: MSH6 (mutS homolog 6; plus strand). Cytogenetic location: 2p16.3.
Variant type: single nucleotide variant.
Coding change: c.1582G>T on transcript NM_000179.3 (MANE Select); coding-DNA position 1582, G replaced by T.
Protein change: p.Glu528Ter; replaces glutamic acid 528 with a stop codon.
Molecular consequence: nonsense.
Genome position (GRCh38, 1-based): chr2:47,799,565, G>T. VCF-style: chr2-47799565-G-T. GRCh37 (hg19) VCF-style: chr2-48026704-G-T.
Other names: c.1192G>T, p.Glu398Ter (NM_001281492.2); c.676G>T, p.Glu226Ter (NM_001281493.2, NM_001281494.2, NM_001406811.1 and 6 more transcripts); c.1678G>T, p.Glu560Ter (NM_001406795.1, NM_001406802.1); c.1582G>T, p.Glu528Ter (NM_001406796.1, NM_001406798.1, NM_001406800.1 and 4 more transcripts); c.1285G>T, p.Glu429Ter (NM_001406797.1, NM_001406801.1, NM_001406805.1 and 10 more transcripts); c.1057G>T, p.Glu353Ter (NM_001406799.1, NM_001406806.1, NM_001406807.1); c.1504G>T, p.Glu502Ter (NM_001406804.1); c.1588G>T, p.Glu530Ter (NM_001406813.1); and 1 more; short protein forms E429*, E528*, E530*, E560*, E226*, E353*, E502*, E398*.
Identifiers: ClinVar variation 1775743 (VCV001775743.4), dbSNP rs2530617697, ClinGen allele CA346746858.

ClinVar aggregate classification (germline): Pathogenic. Review status: criteria provided, multiple submitters, no conflicts (2 of 4 stars). 3 submissions from 3 submitters: Pathogenic (3). Last evaluated 2025-10-07.

Conditions:
Hereditary nonpolyposis colorectal neoplasms. Identifiers: MedGen C0009405, MeSH D003123.
Hereditary cancer-predisposing syndrome. Also called: Neoplastic Syndromes, Hereditary; Tumor predisposition; Hereditary Cancer Syndrome; Hereditary neoplastic syndrome. Identifiers: Orphanet 140162, MedGen C0027672, MeSH D009386, MONDO:0015356.
Lynch syndrome 5 (LYNCH5). Also called: Colorectal cancer, hereditary nonpolyposis, type 5; Hereditary non-polyposis colorectal cancer, type 5. Identifiers: Orphanet 144, MedGen C1833477, MONDO:0013710, OMIM 614350. Disease mechanism: loss of function.

Submissions (3):

Labcorp Genetics (formerly Invitae), Labcorp
Classification: Pathogenic for Hereditary nonpolyposis colorectal neoplasms. Last evaluated: 2025-10-07. Review status: criteria provided, single submitter. Criteria: Invitae Variant Classification Sherloc (09022015). Collection method: clinical testing. Allele origin: germline.
Comment: This sequence change creates a premature translational stop signal (p.Glu528*) in the MSH6 gene. It is expected to result in an absent or disrupted protein product. Loss-of-function variants in MSH6 are known to be pathogenic (PMID: 18269114, 24362816). This variant is not present in population databases (gnomAD no frequency). This variant has not been reported in the literature in individuals affected with MSH6-related conditions. ClinVar contains an entry for this variant (Variation ID: 1775743). For these reasons, this variant has been classified as Pathogenic.

Myriad Genetics, Inc.
Classification: Pathogenic for Lynch syndrome 5. Last evaluated: 2025-05-13. Review status: criteria provided, single submitter. Criteria: Myriad Autosomal Dominant, Autosomal Recessive and X-Linked Classification Criteria (2023). Collection method: clinical testing. Allele origin: unknown.
Comment: This variant is considered pathogenic. This variant creates a termination codon and is predicted to result in premature protein truncation.

Ambry Genetics
Classification: Pathogenic for Hereditary cancer-predisposing syndrome. Last evaluated: 2021-09-22. Review status: criteria provided, single submitter. Criteria: Ambry Variant Classification Scheme 2023. Collection method: clinical testing. Allele origin: germline.
Comment: The p.E528* variant (also known as c.1582G>T), located in coding exon 4 of the MSH6 gene, results from a G to T substitution at nucleotide position 1582. This changes the amino acid from a glutamic acid to a stop codon within coding exon 4. This alteration is expected to result in loss of function by premature protein truncation or nonsense-mediated mRNA decay. As such, this alteration is interpreted as a disease-causing mutation.

Literature cited by the submitters: PubMed 18269114 (cited by Labcorp Genetics (formerly Invitae), Labcorp); PubMed 24362816 (cited by Labcorp Genetics (formerly Invitae), Labcorp).